The following is an entry in ClinVar:

ClinVar aggregate classification (germline): Uncertain significance (1 of 4 stars; one submission).

Submission:

Ambry Genetics
Classification: Uncertain significance. Last evaluated: 2024-08-19. Review status: criteria provided, single submitter. Criteria: Ambry Variant Classification Scheme 2023. Collection method: clinical testing. Allele origin: germline.
Comment: The p.E1629D variant (also known as c.4887A>C), located in coding exon 4 of the ALPK2 gene, results from an A to C substitution at nucleotide position 4887. The glutamic acid at codon 1629 is replaced by aspartic acid, an amino acid with highly similar properties. This amino acid position is conserved. In addition, this alteration is predicted to be tolerated by in silico analysis. Based on the available evidence, the clinical significance of this variant remains unclear.

NM_052947.4(ALPK2):c.4887A>C (p.Glu1629Asp)

Genes: ALPK2 (alpha kinase 2; minus strand), LOC130062578 (ATAC-STARR-seq lymphoblastoid active region 13390; plus strand). Cytogenetic location: 18q21.31.
Variant type: single nucleotide variant.
Coding change: c.4887A>C on transcript NM_052947.4 (MANE Select); coding-DNA position 4887, A replaced by C.
Protein change: p.Glu1629Asp; replaces glutamic acid 1629 with aspartic acid.
Molecular consequence: missense variant.
Genome position (GRCh38, 1-based): chr18:58,535,300, T>G on the plus strand (A>C on the coding strand, the complement: ALPK2 is on the minus strand). VCF-style: chr18-58535300-T-G. GRCh37 (hg19) VCF-style: chr18-56202532-T-G.
Other names: short protein forms E1629D.
Identifiers: ClinVar variation 3531238 (VCV003531238.1).